The following is an entry in ClinVar:

NM_001083962.2(TCF4):c.305G>A (p.Ser102Asn)

Gene: TCF4 (transcription factor 4; minus strand). Cytogenetic location: 18q21.2.
Variant type: single nucleotide variant.
Coding change: c.305G>A on transcript NM_001083962.2 (MANE Select); coding-DNA position 305, G replaced by A.
Protein change: p.Ser102Asn; replaces serine 102 with asparagine.
Molecular consequence: missense variant. On other transcripts: 5 prime UTR variant (3).
Genome position (GRCh38, 1-based): chr18:55,403,518, C>T on the plus strand (G>A on the coding strand, the complement: TCF4 is on the minus strand). VCF-style: chr18-55403518-C-T. GRCh37 (hg19) VCF-style: chr18-53070749-C-T.
Other names: p.S102N:AGT>AAT; NM_001083962.2(TCF4):c.305G>A; p.Ser102Asn; c.611G>A, p.Ser204Asn (NM_001243226.3); c.233G>A, p.Ser78Asn (NM_001243227.2, NM_001306207.1, NM_001348217.1 and 15 more transcripts); c.305G>A, p.Ser102Asn (NM_001243228.2, NM_001330604.3, NM_001369567.1 and 8 more transcripts); c.299G>A, p.Ser100Asn (NM_001243230.2); c.179G>A, p.Ser60Asn (NM_001243231.2, NM_001348211.2); and 3 more; short protein forms S102N, S78N, R32H, S100N, S204N, S60N.
Identifiers: ClinVar variation 207529 (VCV000207529.11), dbSNP rs796053413, ClinGen allele CA319094.

ClinVar aggregate classification (germline): Likely benign. Review status: reviewed by expert panel (3 of 4 stars). 3 submissions from 3 submitters: Likely benign (1). 2 of the submissions do not count toward it. Last evaluated 2024-06-25.

Conditions:
Pitt-Hopkins syndrome (PTHS). Also called: ENCEPHALOPATHY, SEVERE EPILEPTIC, WITH AUTONOMIC DYSFUNCTION; MENTAL RETARDATION, SYNDROMAL, WITH INTERMITTENT HYPERVENTILATION. Identifiers: Orphanet 2896, MedGen C1970431, MONDO:0012589, OMIM 610954.

Allele frequency attached by ClinVar (database versions not stated): gnomAD exomes below 0.00001.
gnomAD v4.1: 1 of 1,613,782 alleles (0.000062%); highest among the groups gnomAD compares: Admixed American, 0.0017%; no homozygotes.

Submissions (3):

ClinGen Rett and Angelman-like Disorders Variant Curation Expert Panel
Classification: Likely benign for Pitt-Hopkins syndrome. Last evaluated: 2024-06-25. Review status: reviewed by expert panel. Criteria: ClinGen RettAS ACMG Specifications TCF4 V3.0.0. Collection method: curation. Allele origin: germline. Inheritance: Autosomal dominant inheritance.
Comment: The p.Ser102Asn variant in TCF4 is present in 1 XX individual in gnomAD v4.0 (0.00016%) (not sufficient to meet BS1 criteria). The p.Ser102Asn variant is observed in at least 2 unaffected individuals (internal database - GeneDx) (BS2). Computational analysis prediction tools suggest that the p.Ser102Asn variant does not have a deleterious impact; however this information does not predict clinical significance on its own (BP4). In summary, the p.Ser102Asn variant in TCF4 is classified as likely benign based on the ACMG/AMP criteria (BS2, BP4).

Labcorp Genetics (formerly Invitae), Labcorp
Classification: Uncertain significance for Pitt-Hopkins syndrome. Last evaluated: 2026-01-13. Review status: criteria provided, single submitter. Criteria: Invitae Variant Classification Sherloc (09022015). Collection method: clinical testing. Allele origin: germline. Not counted in ClinVar's aggregate classification.
Comment: This sequence change replaces serine, which is neutral and polar, with asparagine, which is neutral and polar, at codon 102 of the TCF4 protein (p.Ser102Asn). This variant is not present in population databases (gnomAD no frequency). This variant has not been reported in the literature in individuals affected with TCF4-related conditions. ClinVar contains an entry for this variant (Variation ID: 207529). An algorithm developed to predict the effect of missense changes on protein structure and function (PolyPhen-2) suggests that this variant is likely to be tolerated. In summary, the available evidence is currently insufficient to determine the role of this variant in disease. Therefore, it has been classified as a Variant of Uncertain Significance.

GeneDx
Classification: Likely benign. Last evaluated: 2022-08-05. Review status: criteria provided, single submitter. Criteria: GeneDx Variant Classification Process June 2021. Collection method: clinical testing. Allele origin: germline. Affected: yes. Not counted in ClinVar's aggregate classification.
Comment: See Variant Classification Assertion Criteria.